The following is an entry in ClinVar:

NM_017780.4(CHD7):c.3819_3820del (p.His1273fs)

Gene: CHD7 (chromodomain helicase DNA binding protein 7; plus strand). Cytogenetic location: 8q12.2.
Variant type: Microsatellite.
Coding change: c.3819_3820del on transcript NM_017780.4 (MANE Select); coding-DNA positions 3819 to 3820, 2 bases deleted (CA; older notation c.3819_3820delCA).
Protein change: p.His1273fs; shifts the reading frame from histidine 1273.
Molecular consequence: frameshift variant. On other transcripts: intron variant (1).
Genome position (GRCh38, 1-based): chr8:60,836,113-60,836,114, CA deleted; deleting any 2 consecutive bases within chr8:60,836,108-60,836,114 gives the same sequence; the c. name uses the placement nearest the transcript's 3' end. VCF-style (leftmost placement, unchanged base first): chr8-60836107-AAC-A. GRCh37 (hg19) VCF-style: chr8-61748666-AAC-A.
Other names: c.1717-26121AC[2] (NM_001316690.1); short protein forms H1273fs.
Identifiers: ClinVar variation 2637067 (VCV002637067.1), dbSNP rs2487895075, ClinGen allele CA2695201477.

ClinVar aggregate classification (germline): Likely pathogenic (1 of 4 stars; one submission).

Conditions:
CHD7-related disorder. Also called: CHD7-related condition.

Submission:

PreventionGenetics, part of Exact Sciences
Classification: Likely pathogenic for CHD7-related condition. Last evaluated: 2022-09-15. Review status: criteria provided, single submitter. Criteria: ACMG Guidelines, 2015. Collection method: clinical testing. Allele origin: germline.
Comment: The CHD7 c.3819_3820delCA variant is predicted to result in a frameshift and premature protein termination (p.His1273Glnfs*23). To our knowledge, this variant has not been reported in the literature or in a large population database, indicating this variant is rare. Frameshift variants in CHD7 are expected to be pathogenic. This variant is interpreted as likely pathogenic.